The following is an entry in ClinVar:

ClinVar aggregate classification (germline): Uncertain significance (1 of 4 stars; one submission).

Submission:

Labcorp Genetics (formerly Invitae), Labcorp
Classification: Uncertain significance for Combined immunodeficiency due to DOCK8 deficiency. Last evaluated: 2024-10-15. Review status: criteria provided, single submitter. Criteria: Invitae Variant Classification Sherloc (09022015). Collection method: clinical testing. Allele origin: germline.
Comment: This sequence change replaces proline, which is neutral and non-polar, with histidine, which is basic and polar, at codon 1125 of the DOCK8 protein (p.Pro1125His). This variant is present in population databases (rs764698636, gnomAD 0.003%). This variant has not been reported in the literature in individuals affected with DOCK8-related conditions. ClinVar contains an entry for this variant (Variation ID: 1509445). Invitae Evidence Modeling of protein sequence and biophysical properties (such as structural, functional, and spatial information, amino acid conservation, physicochemical variation, residue mobility, and thermodynamic stability) indicates that this missense variant is expected to disrupt DOCK8 protein function with a positive predictive value of 80%. In summary, the available evidence is currently insufficient to determine the role of this variant in disease. Therefore, it has been classified as a Variant of Uncertain Significance.

NM_203447.4(DOCK8):c.3374C>A (p.Pro1125His)

Gene: DOCK8 (dedicator of cytokinesis 8; plus strand). Cytogenetic location: 9p24.3.
Variant type: single nucleotide variant.
Coding change: c.3374C>A on transcript NM_203447.4 (MANE Select); coding-DNA position 3374, C replaced by A.
Protein change: p.Pro1125His; replaces proline 1125 with histidine.
Molecular consequence: missense variant.
Genome position (GRCh38, 1-based): chr9:405,057, C>A. VCF-style: chr9-405057-C-A. GRCh37 (hg19) VCF-style: chr9-405057-C-A.
Other names: c.3074C>A, p.Pro1025His (NM_001190458.2); c.3170C>A, p.Pro1057His (NM_001193536.2); short protein forms P1125H, P1025H, P1057H.
Identifiers: ClinVar variation 1509445 (VCV001509445.6), dbSNP rs764698636, ClinGen allele CA4958651.